The following is an entry in ClinVar:

ClinVar aggregate classification (germline): Uncertain significance (1 of 4 stars; one submission).

Conditions:
Cardiovascular phenotype. Identifiers: MedGen CN230736.

Allele frequency attached by ClinVar (database versions not stated): gnomAD exomes 0.00001.
gnomAD v4.1: 13 of 1,549,876 alleles (0.00084%); highest among the groups gnomAD compares: Non-Finnish European, 0.0011%; no homozygotes.

Submission:

Ambry Genetics
Classification: Uncertain significance for Cardiovascular phenotype. Last evaluated: 2022-10-17. Review status: criteria provided, single submitter. Criteria: Ambry Variant Classification Scheme 2023. Collection method: clinical testing. Allele origin: germline.
Comment: The p.S3656P variant (also known as c.10966T>C), located in coding exon 2 of the ZNF469 gene, results from a T to C substitution at nucleotide position 10966. The serine at codon 3656 is replaced by proline, an amino acid with similar properties. This amino acid position is conserved. In addition, this alteration is predicted to be tolerated by in silico analysis. Since supporting evidence is limited at this time, the clinical significance of this alteration remains unclear.

NM_001367624.2(ZNF469):c.11050T>C (p.Ser3684Pro)

Gene: ZNF469 (zinc finger protein 469; plus strand). Cytogenetic location: 16q24.2.
Variant type: single nucleotide variant.
Coding change: c.11050T>C on transcript NM_001367624.2 (MANE Select); coding-DNA position 11050, T replaced by C.
Protein change: p.Ser3684Pro; replaces serine 3684 with proline.
Molecular consequence: missense variant.
Genome position (GRCh38, 1-based): chr16:88,438,520, T>C. VCF-style: chr16-88438520-T-C. GRCh37 (hg19) VCF-style: chr16-88504928-T-C.
Other names: NM_001127464.1:c.10966T>C; short protein forms S3684P.
Identifiers: ClinVar variation 1790611 (VCV001790611.2), dbSNP rs1164921983, ClinGen allele CA397128872.